The following is an entry in ClinVar:

NM_001127511.3(APC):c.165+21dup

Gene: APC (APC regulator of Wnt signaling pathway; plus strand). Cytogenetic location: 5q22.2.
Variant type: Duplication.
Coding change: c.165+21dup on transcript NM_001127511.3; 21 bases into the intron after coding-DNA position 165, one base duplicated (T; older notation c.165+21dupT).
Molecular consequence: intron variant.
Genome position (GRCh38, 1-based): chr5:112,707,903, T duplicated; the last of 2 consecutive T bases (chr5:112,707,902-112,707,903); duplicating either gives the same sequence. VCF-style (leftmost placement, unchanged base first): chr5-112707901-A-AT. GRCh37 (hg19) VCF-style: chr5-112043598-A-AT.
Other names: c.-1054+21dup (NM_001407470.1, NM_001407472.1); c.-19+21dup (NM_001407447.1, NM_001354895.2, NM_001407456.1 and 3 more transcripts); c.165+21dup (NM_001407446.1, NM_001354897.2, NM_001354902.2); c.-19+254dup (NM_001407448.1, NM_001407450.1, NM_001407457.1 and 1 more transcripts); c.-43+254dup (NM_001407453.1).
Identifiers: ClinVar variation 2029148 (VCV002029148.4), dbSNP rs2531742948, ClinGen allele CA2580072347.

ClinVar aggregate classification (germline): Uncertain significance (1 of 4 stars; one submission).

Conditions:
Familial adenomatous polyposis 1 (FAP1). Also called: FAMILIAL ADENOMATOUS POLYPOSIS 1, ATTENUATED; POLYPOSIS, ADENOMATOUS INTESTINAL. Identifiers: MedGen C2713442, MONDO:0021056, OMIM 175100. Disease mechanism: loss of function.

Submission:

Labcorp Genetics (formerly Invitae), Labcorp
Classification: Uncertain significance for Familial adenomatous polyposis 1. Last evaluated: 2022-09-25. Review status: criteria provided, single submitter. Criteria: Invitae Variant Classification Sherloc (09022015). Collection method: clinical testing. Allele origin: germline.
Comment: Experimental studies and prediction algorithms are not available or were not evaluated, and the functional significance of this variant is currently unknown. This variant occurs in a non-coding region of the APC gene. It does not change the encoded amino acid sequence of the APC protein. This variant is not present in population databases (gnomAD no frequency). This variant has not been reported in the literature in individuals affected with APC-related conditions. In summary, the available evidence is currently insufficient to determine the role of this variant in disease. Therefore, it has been classified as a Variant of Uncertain Significance.